The following is an entry in ClinVar:

ClinVar aggregate classification (germline): Uncertain significance. Review status: criteria provided, single submitter (1 of 4 stars). 2 submissions from 2 submitters: Uncertain significance (1). 1 of the submissions does not count toward it. Last evaluated 2023-08-01.

Conditions:
Cohen syndrome (COH1). Also called: PEPPER SYNDROME; Cutis verticis gyrata, retinitis pigmentosa, and sensorineural deafness. Identifiers: Orphanet 193, MedGen C0265223, MONDO:0008999, OMIM 216550.

Allele frequency attached by ClinVar (database versions not stated): gnomAD exomes below 0.00001 and 0.00001; ExAC 0.00001; gnomAD 0.00001 and 0.00002; TOPMed 0.00002; ESP Exome Variant Server 0.00008.

Submissions (2):

Labcorp Genetics (formerly Invitae), Labcorp
Classification: Uncertain significance for Cohen syndrome. Last evaluated: 2023-08-01. Review status: criteria provided, single submitter. Criteria: Invitae Variant Classification Sherloc (09022015). Collection method: clinical testing. Allele origin: germline.
Comment: In summary, the available evidence is currently insufficient to determine the role of this variant in disease. Therefore, it has been classified as a Variant of Uncertain Significance. Advanced modeling of protein sequence and biophysical properties (such as structural, functional, and spatial information, amino acid conservation, physicochemical variation, residue mobility, and thermodynamic stability) performed at Invitae indicates that this missense variant is not expected to disrupt VPS13B protein function. ClinVar contains an entry for this variant (Variation ID: 1063768). This variant has not been reported in the literature in individuals affected with VPS13B-related conditions. This variant is present in population databases (rs147437490, gnomAD 0.002%). This sequence change replaces proline, which is neutral and non-polar, with leucine, which is neutral and non-polar, at codon 2939 of the VPS13B protein (p.Pro2939Leu).

Natera, Inc.
Classification: Uncertain significance for Cohen syndrome. Last evaluated: 2020-08-24. Review status: no assertion criteria provided. Collection method: clinical testing. Allele origin: germline. Not counted in ClinVar's aggregate classification.

NM_152564.5(VPS13B):c.8741C>T (p.Pro2914Leu)

Gene: VPS13B (vacuolar protein sorting 13 homolog B; plus strand). Cytogenetic location: 8q22.2.
Variant type: single nucleotide variant.
Coding change: c.8741C>T on transcript NM_152564.5 (MANE Select); coding-DNA position 8741, C replaced by T.
Protein change: p.Pro2914Leu; replaces proline 2914 with leucine.
Molecular consequence: missense variant.
Genome position (GRCh38, 1-based): chr8:99,819,531, C>T. VCF-style: chr8-99819531-C-T. GRCh37 (hg19) VCF-style: chr8-100831759-C-T.
Other names: c.8816C>T, p.Pro2939Leu (NM_017890.5); short protein forms P2914L, P2939L.
Identifiers: ClinVar variation 1063768 (VCV001063768.12), dbSNP rs147437490, ClinGen allele CA4824536.